The following is an entry in ClinVar:

ClinVar aggregate classification (germline): Uncertain significance (1 of 4 stars; one submission).

Conditions:
Joubert syndrome. Also called: CEREBELLOPARENCHYMAL DISORDER IV; JOUBERT-BOLTSHAUSER SYNDROME; Familial aplasia of the vermis. Identifiers: Orphanet 475, MedGen C5979921, MONDO:0018772.
Meckel-Gruber syndrome. Also called: DYSENCEPHALIA SPLANCHNOCYSTICA; GRUBER SYNDROME; Dysencephalia splachnocystica. Identifiers: Orphanet 564, MedGen C0265215, MONDO:0018921.
Nephronophthisis. Also called: Juvenile Nephronophthisis. Identifiers: Orphanet 655, MedGen C0687120, MONDO:0019005, HP:0000090.

Allele frequency attached by ClinVar (database versions not stated): ExAC 0.00005.
gnomAD v4.1: 4 of 1,433,166 alleles (0.00028%); highest among the groups gnomAD compares: South Asian, 0.004%; no homozygotes.

Submission:

Labcorp Genetics (formerly Invitae), Labcorp
Classification: Uncertain significance for Joubert syndrome; Meckel-Gruber syndrome; Nephronophthisis. Last evaluated: 2022-05-24. Review status: criteria provided, single submitter. Criteria: Invitae Variant Classification Sherloc (09022015). Collection method: clinical testing. Allele origin: germline.
Comment: This sequence change replaces histidine, which is basic and polar, with arginine, which is basic and polar, at codon 280 of the CEP290 protein (p.His280Arg). The frequency data for this variant in the population databases is considered unreliable, as metrics indicate poor data quality at this position in the gnomAD database. This variant has not been reported in the literature in individuals affected with CEP290-related conditions. Algorithms developed to predict the effect of missense changes on protein structure and function (SIFT, PolyPhen-2, Align-GVGD) all suggest that this variant is likely to be tolerated. In summary, the available evidence is currently insufficient to determine the role of this variant in disease. Therefore, it has been classified as a Variant of Uncertain Significance.

NM_025114.4(CEP290):c.839A>G (p.His280Arg)

Gene: CEP290 (centrosomal protein 290; minus strand). Cytogenetic location: 12q21.32.
Variant type: single nucleotide variant.
Coding change: c.839A>G on transcript NM_025114.4 (MANE Select); coding-DNA position 839, A replaced by G.
Protein change: p.His280Arg; replaces histidine 280 with arginine.
Molecular consequence: missense variant.
Genome position (GRCh38, 1-based): chr12:88,129,707, T>C on the plus strand (A>G on the coding strand, the complement: CEP290 is on the minus strand). VCF-style: chr12-88129707-T-C. GRCh37 (hg19) VCF-style: chr12-88523484-T-C.
Other names: short protein forms H280R.
Identifiers: ClinVar variation 1990211 (VCV001990211.1), dbSNP rs745369780, ClinGen allele CA6712693.